The following is an entry in ClinVar:

ClinVar aggregate classification (germline): Pathogenic (1 of 4 stars; one submission).

Submission:

Labcorp Genetics (formerly Invitae), Labcorp
Classification: Pathogenic. Last evaluated: 2026-01-06. Review status: criteria provided, single submitter. Criteria: Invitae Variant Classification Sherloc (09022015). Collection method: clinical testing. Allele origin: germline.
Comment: This sequence change affects a donor splice site in intron 4 of the RLBP1 gene. It is expected to disrupt RNA splicing. Variants that disrupt the donor or acceptor splice site typically lead to a loss of protein function (PMID: 16199547), and loss-of-function variants in RLBP1 are known to be pathogenic (PMID: 2392416, 11301032, 21447491, 25429852). This variant is not present in population databases (gnomAD no frequency). Disruption of this splice site has been observed in individual(s) with retinitis punctata albescens (PMID: 10102299). In at least one individual the data is consistent with being in trans (on the opposite chromosome) from a pathogenic variant. Algorithms developed to predict the effect of sequence changes on RNA splicing suggest that this variant may disrupt the consensus splice site. For these reasons, this variant has been classified as Pathogenic.

Literature cited by the submitters: PubMed 16199547; PubMed 2392416; PubMed 11301032; PubMed 21447491; PubMed 25429852; PubMed 10102299.

NM_000326.5(RLBP1):c.141+2T>G

Gene: RLBP1 (retinaldehyde binding protein 1; minus strand). Cytogenetic location: 15q26.1.
Variant type: single nucleotide variant.
Coding change: c.141+2T>G on transcript NM_000326.5 (MANE Select); the canonical splice donor site of the intron after coding-DNA position 141, T replaced by G.
Molecular consequence: splice donor variant.
Genome position (GRCh38, 1-based): chr15:89,218,563, A>C on the plus strand (T>G on the coding strand, the complement: RLBP1 is on the minus strand). VCF-style: chr15-89218563-A-C. GRCh37 (hg19) VCF-style: chr15-89761794-A-C.
Identifiers: ClinVar variation 4733689 (VCV004733689.1).